The following is an entry in ClinVar:

NM_033087.4(ALG2):c.452T>C (p.Leu151Pro)

Gene: ALG2 (ALG2 alpha-1,3/1,6-mannosyltransferase; minus strand). Cytogenetic location: 9q22.33.
Variant type: single nucleotide variant.
Coding change: c.452T>C on transcript NM_033087.4 (MANE Select); coding-DNA position 452, T replaced by C.
Protein change: p.Leu151Pro; replaces leucine 151 with proline.
Molecular consequence: missense variant. On other transcripts: non-coding transcript variant (1).
Genome position (GRCh38, 1-based): chr9:99,218,733, A>G on the plus strand (T>C on the coding strand, the complement: ALG2 is on the minus strand). VCF-style: chr9-99218733-A-G. GRCh37 (hg19) VCF-style: chr9-101981015-A-G.
Other names: short protein forms L151P.
Identifiers: ClinVar variation 2088974 (VCV002088974.4), dbSNP rs2490384234, ClinGen allele CA374229334.

ClinVar aggregate classification (germline): Uncertain significance (1 of 4 stars; one submission).

Conditions:
Congenital disorder of glycosylation, type Ii. Also called: ALG2-congenital disorder of glycosylation; CDG Ii; ALG2-CDG. Identifiers: Orphanet 79326, MedGen C1842836, MONDO:0011933, OMIM 607906.
Congenital myasthenic syndrome 14. Also called: Myasthenic syndrome, congenital, 14, with tubular aggregates. Identifiers: Orphanet 353327, Orphanet 590, MedGen C4015597, MONDO:0014543, OMIM 616228.

Allele frequency attached by ClinVar (database versions not stated): gnomAD exomes below 0.00001.

Submission:

Labcorp Genetics (formerly Invitae), Labcorp
Classification: Uncertain significance for Congenital disorder of glycosylation, type Ii; Congenital myasthenic syndrome 14. Last evaluated: 2022-02-09. Review status: criteria provided, single submitter. Criteria: Invitae Variant Classification Sherloc (09022015). Collection method: clinical testing. Allele origin: germline.
Comment: In summary, the available evidence is currently insufficient to determine the role of this variant in disease. Therefore, it has been classified as a Variant of Uncertain Significance. Algorithms developed to predict the effect of missense changes on protein structure and function (SIFT, PolyPhen-2, Align-GVGD) all suggest that this variant is likely to be disruptive. This variant has not been reported in the literature in individuals affected with ALG2-related conditions. This variant is not present in population databases (gnomAD no frequency). This sequence change replaces leucine, which is neutral and non-polar, with proline, which is neutral and non-polar, at codon 151 of the ALG2 protein (p.Leu151Pro).